The following is an entry in ClinVar:

NR_033294.2(SNORD118):n.13G>A

Genes: SNORD118 (small nucleolar RNA, C/D box 118; minus strand), TMEM107 (transmembrane protein 107; minus strand). Cytogenetic location: 17p13.1.
Variant type: single nucleotide variant.
Molecular consequence: non-coding transcript variant (on NR_033294.2). On other transcripts: 3 prime UTR variant (5).
Genome position: GRCh38 VCF-style: chr17-8173576-C-T. GRCh37 (hg19) VCF-style: chr17-8076894-C-T.
Other names: c.*627G>A (NM_032354.3, NM_001351278.2, NM_001351279.2 and 3 more transcripts).
Identifiers: ClinVar variation 1990505 (VCV001990505.4), dbSNP rs373542197, ClinGen allele CA8370827.

ClinVar aggregate classification (germline): Uncertain significance. Review status: criteria provided, multiple submitters, no conflicts (2 of 4 stars). 3 submissions from 3 submitters: Uncertain significance (3). Last evaluated 2025-03-19.

Conditions:
TMEM107-related disorder. Also called: TMEM107-related condition.

Allele frequency attached by ClinVar (database versions not stated): ESP Exome Variant Server 0.00017; 1000 Genomes Project 0.00040; 1000 Genomes Project 30x 0.00047.
gnomAD v4.1: 121 of 764,792 alleles (0.016%); highest among the groups gnomAD compares: East Asian, 0.019%; no homozygotes.

Submissions (3):

PreventionGenetics, part of Exact Sciences
Classification: Uncertain significance for TMEM107-related condition. Last evaluated: 2025-03-19. Review status: criteria provided, single submitter. Criteria: ACMG Guidelines, 2015. Collection method: clinical testing. Allele origin: germline.
Comment: The TMEM107 c.*627G>A variant is located in the 3' untranslated region. To our knowledge, this variant has not been reported in the literature. This variant is reported in 0.026% of alleles in individuals of South Asian descent in gnomAD. At this time, the clinical significance of this variant is uncertain due to the absence of conclusive functional and genetic evidence.

Blueprint Genetics
Classification: Uncertain significance. Last evaluated: 2024-09-11. Review status: criteria provided, single submitter. Criteria: ACMG Guidelines, 2015. Collection method: clinical testing. Allele origin: germline.

Labcorp Genetics (formerly Invitae), Labcorp
Classification: Uncertain significance. Last evaluated: 2023-12-18. Review status: criteria provided, single submitter. Criteria: Invitae Variant Classification Sherloc (09022015). Collection method: clinical testing. Allele origin: germline.
Comment: This variant occurs in the SNORD118 gene, which encodes an RNA molecule that does not result in a protein product. This variant is present in population databases (rs373542197, gnomAD 0.03%). This variant has not been reported in the literature in individuals affected with SNORD118-related conditions. ClinVar contains an entry for this variant (Variation ID: 1990505). Experimental studies and prediction algorithms are not available or were not evaluated, and the functional significance of this variant is currently unknown. In summary, the available evidence is currently insufficient to determine the role of this variant in disease. Therefore, it has been classified as a Variant of Uncertain Significance.